The following is an entry in ClinVar:

NM_022168.4(IFIH1):c.2454+5A>G

Gene: IFIH1 (interferon induced with helicase C domain 1; minus strand). Cytogenetic location: 2q24.2.
Variant type: single nucleotide variant.
Coding change: c.2454+5A>G on transcript NM_022168.4 (MANE Select); 5 bases into the intron after coding-DNA position 2454, A replaced by G.
Molecular consequence: intron variant.
Genome position (GRCh38, 1-based): chr2:162,273,790, T>C on the plus strand (A>G on the coding strand, the complement: IFIH1 is on the minus strand). VCF-style: chr2-162273790-T-C. GRCh37 (hg19) VCF-style: chr2-163130300-T-C.
Identifiers: ClinVar variation 3760527 (VCV003760527.2).

ClinVar aggregate classification (germline): Uncertain significance (1 of 4 stars; one submission).

Conditions:
Singleton-Merten syndrome 1 (SGMRT1). Also called: Widened medullary cavities of bone, aortic calcification, abnormal dentition, and muscular weakness; Syndrome of widened medullary cavities of the metacarpals and phalanges, aortic calcification and abnormal dentition. Identifiers: Orphanet 85191, MedGen C4225427, MONDO:0024535, OMIM 182250.
Aicardi-Goutieres syndrome 7 (AGS7). Identifiers: Orphanet 51, MedGen C3888244, MONDO:0014367, OMIM 615846.

gnomAD v4.1: 12 of 1,539,596 alleles (0.00078%); highest among the groups gnomAD compares: East Asian, 0.0024%; no homozygotes.

Submission:

Labcorp Genetics (formerly Invitae), Labcorp
Classification: Uncertain significance for Aicardi-Goutieres syndrome 7; Singleton-Merten syndrome 1. Last evaluated: 2025-04-20. Review status: criteria provided, single submitter. Criteria: Invitae Variant Classification Sherloc (09022015). Collection method: clinical testing. Allele origin: germline.
Comment: This sequence change falls in intron 12 of the IFIH1 gene. It does not directly change the encoded amino acid sequence of the IFIH1 protein. It affects a nucleotide within the consensus splice site. This variant is present in population databases (rs757149831, gnomAD 0.007%). This variant has not been reported in the literature in individuals affected with IFIH1-related conditions. ClinVar contains an entry for this variant (Variation ID: 3760527). Variants that disrupt the consensus splice site are a relatively common cause of aberrant splicing (PMID: 17576681, 9536098). Algorithms developed to predict the effect of sequence changes on RNA splicing suggest that this variant is not likely to affect RNA splicing. In summary, the available evidence is currently insufficient to determine the role of this variant in disease. Therefore, it has been classified as a Variant of Uncertain Significance.

Literature cited by the submitters: PubMed 17576681; PubMed 9536098.